The following is an entry in ClinVar:

ClinVar aggregate classification (germline): Uncertain significance (1 of 4 stars; one submission).

Submission:

Women's Health and Genetics/Laboratory Corporation of America, LabCorp
Classification: Uncertain significance. Last evaluated: 2023-04-14. Review status: criteria provided, single submitter. Criteria: LabCorp Variant Classification Summary - May 2015. Collection method: clinical testing. Allele origin: germline.
Comment: Variant summary: ERCC8 c.435_440delinsCAG (p.His148del) results in an in-frame deletion that is predicted to remove one amino acid from the encoded protein. The variant was absent in 251066 control chromosomes (gnomAD). The available data on variant occurrences in the general population are insufficient to allow any conclusion about variant significance. To our knowledge, no occurrence of c.435_440delinsCAG in individuals affected with Cockayne Syndrome and no experimental evidence demonstrating its impact on protein function have been reported. No clinical diagnostic laboratories have submitted clinical-significance assessments for this variant to ClinVar after 2014. Based on the evidence outlined above, the variant was classified as uncertain significance.

NM_000082.4(ERCC8):c.435_440delinsCAG (p.His148del)

Gene: ERCC8 (ERCC excision repair 8, CSA ubiquitin ligase complex subunit; minus strand). Cytogenetic location: 5q12.1.
Variant type: Indel.
Coding change: c.435_440delinsCAG on transcript NM_000082.4 (MANE Select); coding-DNA positions 435 to 440, TAGTCA replaced by CAG.
Protein change: p.His148del; deletes histidine 148.
Molecular consequence: inframe deletion. On other transcripts: inframe indel (1), intron variant (1).
Genome position (GRCh38, 1-based): chr5:60,904,833-60,904,838, TGACTA replaced by CTG on the plus strand (TAGTCA replaced by CAG on the coding strand, the reverse complement: ERCC8 is on the minus strand). VCF-style: chr5-60904833-TGACTA-CTG. GRCh37 (hg19) VCF-style: chr5-60200660-TGACTA-CTG.
Other names: c.435_440delTAGTCAinsCAG, p.His148del (NM_000082.3); c.261_266delinsCAG, p.His90del (NM_001007233.3); c.435_440delinsCAG, p.His148del (NM_001007234.3); c.23-1122_23-1117delinsCAG (NM_001290285.2); c.435_440delinsCAG (NM_000082.3); short protein forms H148del, H90del.
Identifiers: ClinVar variation 2503838 (VCV002503838.1), dbSNP rs2531802337, ClinGen allele CA2580613562.
Genomic context (GRCh38, chr5:60,904,833, plus strand): 5'-AAAGAATACACTTACAAACCTGCTACCAAACAGTGCTTGGTGGAGACTGGAGACATATGA[TGACTA>CTG]TAAACTGTTTCCTCAAAATTAAATACATCTGCAGTCTGGTAATCAAAAGACATTTAAAAA-3'